The following is an entry in ClinVar:

ClinVar aggregate classification (germline): Uncertain significance (1 of 4 stars; one submission).

Conditions:
Haddad syndrome (OHD). Also called: Ondine-Hirschsprung disease. Identifiers: Orphanet 99803, MedGen C1859049, MONDO:0020493.

Submission:

Labcorp Genetics (formerly Invitae), Labcorp
Classification: Uncertain significance for Haddad syndrome. Last evaluated: 2022-04-30. Review status: criteria provided, single submitter. Criteria: Invitae Variant Classification Sherloc (09022015). Collection method: clinical testing. Allele origin: germline.
Comment: Algorithms developed to predict the effect of missense changes on protein structure and function are either unavailable or do not agree on the potential impact of this missense change (SIFT: "Tolerated"; PolyPhen-2: "Not Available"; Align-GVGD: "Class C0"). This variant has not been reported in the literature in individuals affected with PHOX2B-related conditions. In summary, the available evidence is currently insufficient to determine the role of this variant in disease. Therefore, it has been classified as a Variant of Uncertain Significance. This sequence change replaces alanine, which is neutral and non-polar, with glycine, which is neutral and non-polar, at codon 265 of the PHOX2B protein (p.Ala265Gly). This variant is not present in population databases (gnomAD no frequency).

NM_003924.4(PHOX2B):c.794C>G (p.Ala265Gly)

Gene: PHOX2B (paired like homeobox 2B; minus strand). Cytogenetic location: 4p13.
Variant type: single nucleotide variant.
Coding change: c.794C>G on transcript NM_003924.4 (MANE Select); coding-DNA position 794, C replaced by G.
Protein change: p.Ala265Gly; replaces alanine 265 with glycine.
Molecular consequence: missense variant.
Genome position (GRCh38, 1-based): chr4:41,745,958, G>C on the plus strand (C>G on the coding strand, the complement: PHOX2B is on the minus strand). VCF-style: chr4-41745958-G-C. GRCh37 (hg19) VCF-style: chr4-41747975-G-C.
Other names: short protein forms A265G.
Identifiers: ClinVar variation 2131964 (VCV002131964.4), dbSNP rs1733873222, ClinGen allele CA356737126.